The following is an entry in ClinVar:

ClinVar aggregate classification (germline): Uncertain significance (1 of 4 stars; one submission).

Conditions:
Islet cell adenomatosis. Identifiers: MedGen C1578917, MONDO:0007834, OMIM 147630.

gnomAD v4.1: 2 of 1,423,746 alleles (0.00014%); highest among the groups gnomAD compares: East Asian, 0.0035%; no homozygotes.

Submission:

Juno Genomics, Hangzhou Juno Genomics, Inc
Classification: Uncertain significance for Islet cell adenomatosis. Review status: criteria provided, single submitter. Criteria: ACMG Guidelines, 2015. Collection method: clinical testing. Allele origin: germline.
Comment: Absent from controls (or at extremely low frequency if recessive) in Genome Aggregation Database.;Multiple lines of computational evidence support a deleterious effect on the gene or gene product.

NM_201589.4(MAFA):c.35C>G (p.Pro12Arg)

Gene: MAFA (MAF bZIP transcription factor A; minus strand). Cytogenetic location: 8q24.3.
Variant type: single nucleotide variant.
Coding change: c.35C>G on transcript NM_201589.4 (MANE Select); coding-DNA position 35, C replaced by G.
Protein change: p.Pro12Arg; replaces proline 12 with arginine.
Molecular consequence: missense variant.
Genome position (GRCh38, 1-based): chr8:143,430,372, G>C on the plus strand (C>G on the coding strand, the complement: MAFA is on the minus strand). VCF-style: chr8-143430372-G-C. GRCh37 (hg19) VCF-style: chr8-144512542-G-C.
Other names: short protein forms P12R.
Identifiers: ClinVar variation 5018890 (VCV005018890.2).